The following is an entry in ClinVar:

ClinVar aggregate classification (germline): Likely benign (0 of 4 stars; one submission).

Conditions:
HFM1-related disorder. Also called: HFM1-related condition.

Allele frequency attached by ClinVar (database versions not stated): gnomAD exomes 0.00001; ExAC 0.00005; ESP Exome Variant Server 0.00009; gnomAD 0.00015; TOPMed 0.00015; 1000 Genomes Project 30x 0.00016; 1000 Genomes Project 0.00020.
gnomAD v4.1: 44 of 1,551,672 alleles (0.0028%); highest among the groups gnomAD compares: African/African-American, 0.057%; no homozygotes.

Submission:

PreventionGenetics, part of Exact Sciences
Classification: Likely benign for HFM1-related condition. Last evaluated: 2019-03-07. Review status: no assertion criteria provided. Collection method: clinical testing. Allele origin: germline.
Comment: This variant is classified as likely benign based on ACMG/AMP sequence variant interpretation guidelines (Richards et al. 2015 PMID: 25741868, with internal and published modifications).

NM_001017975.6(HFM1):c.2254+6A>G

Gene: HFM1 (helicase for meiosis 1; minus strand). Cytogenetic location: 1p22.2.
Variant type: single nucleotide variant.
Coding change: c.2254+6A>G on transcript NM_001017975.6 (MANE Select); 6 bases into the intron after coding-DNA position 2254, A replaced by G.
Molecular consequence: intron variant.
Genome position (GRCh38, 1-based): chr1:91,347,423, T>C on the plus strand (A>G on the coding strand, the complement: HFM1 is on the minus strand). VCF-style: chr1-91347423-T-C. GRCh37 (hg19) VCF-style: chr1-91812980-T-C.
Identifiers: ClinVar variation 3057745 (VCV003057745.2), dbSNP rs201905613, ClinGen allele CA945999.